The following is an entry in ClinVar:

NM_000179.3(MSH6):c.1809G>C (p.Lys603Asn)

Gene: MSH6 (mutS homolog 6; plus strand). Cytogenetic location: 2p16.3.
Variant type: single nucleotide variant.
Coding change: c.1809G>C on transcript NM_000179.3 (MANE Select); coding-DNA position 1809, G replaced by C.
Protein change: p.Lys603Asn; replaces lysine 603 with asparagine.
Molecular consequence: missense variant. On other transcripts: non-coding transcript variant (4), intron variant (2).
Genome position (GRCh38, 1-based): chr2:47,799,792, G>C. VCF-style: chr2-47799792-G-C. GRCh37 (hg19) VCF-style: chr2-48026931-G-C.
Other names: c.1419G>C, p.Lys473Asn (NM_001281492.2); c.903G>C, p.Lys301Asn (NM_001281493.2, NM_001281494.2, NM_001406811.1 and 6 more transcripts); c.1905G>C, p.Lys635Asn (NM_001406795.1, NM_001406802.1); c.1809G>C, p.Lys603Asn (NM_001406796.1, NM_001406798.1, NM_001406800.1 and 3 more transcripts); c.1512G>C, p.Lys504Asn (NM_001406797.1, NM_001406801.1, NM_001406805.1 and 10 more transcripts); c.1284G>C, p.Lys428Asn (NM_001406799.1, NM_001406806.1, NM_001406807.1); c.1731G>C, p.Lys577Asn (NM_001406804.1); c.1815G>C, p.Lys605Asn (NM_001406813.1); and 3 more; short protein forms K301N, K428N, K473N, K504N, K547N, K577N, K603N, K605N.
Identifiers: ClinVar variation 3074426 (VCV003074426.1), dbSNP rs876660790, ClinGen allele CA346749377.

ClinVar aggregate classification (germline): Uncertain significance (1 of 4 stars; one submission).

Conditions:
Lynch syndrome. Identifiers: Orphanet 144, MedGen C4552100, MONDO:0005835. Disease mechanism: loss of function.

Submission:

All of Us Research Program, National Institutes of Health
Classification: Uncertain significance for Lynch syndrome. Last evaluated: 2023-04-03. Review status: criteria provided, single submitter. Criteria: ACMG Guidelines, 2015. Collection method: clinical testing. Allele origin: germline. Inheritance: Autosomal dominant inheritance. Observed: 2 variant alleles, 2 heterozygotes.
Comment: This missense variant replaces lysine with asparagine at codon 603 of the MSH6 protein. Computational prediction suggests that this variant may not impact protein structure and function (internally defined REVEL score threshold <= 0.5, PMID: 27666373). To our knowledge, functional studies have not been reported for this variant. This variant has not been reported in individuals affected with MSH6-related disorders in the literature. This variant has not been identified in the general population by the Genome Aggregation Database (gnomAD). The available evidence is insufficient to determine the role of this variant in disease conclusively. Therefore, this variant is classified as a Variant of Uncertain Significance.

This study involves interpretation of variants in research participants for the purpose of population health screening. Participant phenotype was not available at the time of variant classification. Additional details can be found in publication PMID: 35346344, PMCID: PMC8962531